The following is an entry in ClinVar:

NM_005154.5(USP8):c.1726C>T (p.Pro576Ser)

Gene: USP8 (ubiquitin specific peptidase 8; plus strand). Cytogenetic location: 15q21.2.
Variant type: single nucleotide variant.
Coding change: c.1726C>T on transcript NM_005154.5 (MANE Select); coding-DNA position 1726, C replaced by T.
Protein change: p.Pro576Ser; replaces proline 576 with serine.
Molecular consequence: missense variant.
Genome position (GRCh38, 1-based): chr15:50,481,988, C>T. VCF-style: chr15-50481988-C-T. GRCh37 (hg19) VCF-style: chr15-50774185-C-T.
Other names: c.1726C>T, p.Pro576Ser (NM_001128610.3); c.1495C>T, p.Pro499Ser (NM_001283049.2); short protein forms P499S, P576S.
Identifiers: ClinVar variation 1483565 (VCV001483565.8), dbSNP rs755591528, ClinGen allele CA392394897.

ClinVar aggregate classification (germline): Uncertain significance (1 of 4 stars; one submission).

Conditions:
Hereditary spastic paraplegia. Also called: Familial spastic paraparesis. Identifiers: Orphanet 685, MedGen C0037773, MONDO:0019064. Disease mechanism: loss of function.

Allele frequency attached by ClinVar (database versions not stated): gnomAD 0.00001.
gnomAD v4.1: 7 of 1,589,482 alleles (0.00044%); highest among the groups gnomAD compares: Non-Finnish European, 0.00051%; no homozygotes.

Submission:

Labcorp Genetics (formerly Invitae), Labcorp
Classification: Uncertain significance for Hereditary spastic paraplegia. Last evaluated: 2021-04-30. Review status: criteria provided, single submitter. Criteria: Invitae Variant Classification Sherloc (09022015). Collection method: clinical testing. Allele origin: germline.
Comment: This sequence change replaces proline with serine at codon 576 of the USP8 protein (p.Pro576Ser). The proline residue is weakly conserved and there is a moderate physicochemical difference between proline and serine. This variant is not present in population databases (ExAC no frequency). This variant has not been reported in the literature in individuals with USP8-related conditions. Algorithms developed to predict the effect of missense changes on protein structure and function (SIFT, PolyPhen-2, Align-GVGD) all suggest that this variant is likely to be tolerated, but these predictions have not been confirmed by published functional studies and their clinical significance is uncertain. In summary, the available evidence is currently insufficient to determine the role of this variant in disease. Therefore, it has been classified as a Variant of Uncertain Significance.